The following is an entry in ClinVar:

ClinVar aggregate classification (germline): Pathogenic (1 of 4 stars; one submission).

Submission:

Labcorp Genetics (formerly Invitae), Labcorp
Classification: Pathogenic. Last evaluated: 2023-07-29. Review status: criteria provided, single submitter. Criteria: Invitae Variant Classification Sherloc (09022015). Collection method: clinical testing. Allele origin: germline.
Comment: This sequence change creates a premature translational stop signal (p.Ser298*) in the PRDM5 gene. It is expected to result in an absent or disrupted protein product. Loss-of-function variants in PRDM5 are known to be pathogenic (PMID: 21664999, 26395458). This variant is not present in population databases (gnomAD no frequency). This variant has not been reported in the literature in individuals affected with PRDM5-related conditions. For these reasons, this variant has been classified as Pathogenic.

Literature cited by the submitters: PubMed 21664999; PubMed 26395458.

NM_018699.4(PRDM5):c.893C>A (p.Ser298Ter)

Gene: PRDM5 (PR/SET domain 5; minus strand). Cytogenetic location: 4q27.
Variant type: single nucleotide variant.
Coding change: c.893C>A on transcript NM_018699.4 (MANE Select); coding-DNA position 893, C replaced by A.
Protein change: p.Ser298Ter; replaces serine 298 with a stop codon.
Molecular consequence: nonsense.
Genome position (GRCh38, 1-based): chr4:120,811,422, G>T on the plus strand (C>A on the coding strand, the complement: PRDM5 is on the minus strand). VCF-style: chr4-120811422-G-T. GRCh37 (hg19) VCF-style: chr4-121732577-G-T.
Other names: c.800C>A, p.Ser267Ter (NM_001300823.2, NM_001300824.2, NM_001379106.1); c.893C>A, p.Ser298Ter (NM_001379104.1); short protein forms S267*, S298*.
Identifiers: ClinVar variation 2748038 (VCV002748038.3), dbSNP rs2477826472, ClinGen allele CA358207292.